The following is an entry in ClinVar:

NM_174916.3(UBR1):c.1262T>C (p.Met421Thr)

Gene: UBR1 (ubiquitin protein ligase E3 component n-recognin 1; minus strand). Cytogenetic location: 15q15.2.
Variant type: single nucleotide variant.
Coding change: c.1262T>C on transcript NM_174916.3 (MANE Select); coding-DNA position 1262, T replaced by C.
Protein change: p.Met421Thr; replaces methionine 421 with threonine.
Molecular consequence: missense variant.
Genome position (GRCh38, 1-based): chr15:43,056,363, A>G on the plus strand (T>C on the coding strand, the complement: UBR1 is on the minus strand). VCF-style: chr15-43056363-A-G. GRCh37 (hg19) VCF-style: chr15-43348561-A-G.
Other names: short protein forms M421T.
Identifiers: ClinVar variation 2071188 (VCV002071188.4), dbSNP rs1391393903, ClinGen allele CA392073447.

ClinVar aggregate classification (germline): Uncertain significance (1 of 4 stars; one submission).

Allele frequency attached by ClinVar (database versions not stated): gnomAD exomes below 0.00001.
gnomAD v4.1: 1 of 1,611,418 alleles (0.000062%); highest among the groups gnomAD compares: Admixed American, 0.0017%; no homozygotes.

Submission:

Labcorp Genetics (formerly Invitae), Labcorp
Classification: Uncertain significance. Last evaluated: 2022-01-02. Review status: criteria provided, single submitter. Criteria: Invitae Variant Classification Sherloc (09022015). Collection method: clinical testing. Allele origin: germline.
Comment: In summary, the available evidence is currently insufficient to determine the role of this variant in disease. Therefore, it has been classified as a Variant of Uncertain Significance. Algorithms developed to predict the effect of missense changes on protein structure and function are either unavailable or do not agree on the potential impact of this missense change (SIFT: "Deleterious"; PolyPhen-2: "Benign"; Align-GVGD: "Class C25"). This variant has not been reported in the literature in individuals affected with UBR1-related conditions. This variant is present in population databases (no rsID available, gnomAD 0.003%). This sequence change replaces methionine, which is neutral and non-polar, with threonine, which is neutral and polar, at codon 421 of the UBR1 protein (p.Met421Thr).